The following is an entry in ClinVar:

ClinVar aggregate classification (germline): Likely benign. Review status: criteria provided, multiple submitters, no conflicts (2 of 4 stars). 2 submissions from 2 submitters: Likely benign (2). Last evaluated 2026-08-20.

Conditions:
PRPF8-related disorder. Also called: PRPF8-related condition.

Allele frequency attached by ClinVar (database versions not stated): gnomAD exomes below 0.00001; ExAC 0.00002; gnomAD 0.00003.
gnomAD v4.1: 8 of 1,614,072 alleles (0.0005%); highest among the groups gnomAD compares: African/African-American, 0.0067%; no homozygotes.

Submissions (2):

PreventionGenetics, part of Exact Sciences
Classification: Likely benign for PRPF8-related condition. Last evaluated: 2026-08-20. Review status: criteria provided, single submitter. Criteria: ACMG Guidelines, 2015. Collection method: clinical testing. Allele origin: germline.
Comment: This variant is classified as likely benign based on ACMG/AMP sequence variant interpretation guidelines (Richards et al. 2015 PMID: 25741868, with internal and published modifications).

Labcorp Genetics (formerly Invitae), Labcorp
Classification: Likely benign. Last evaluated: 2024-10-28. Review status: criteria provided, single submitter. Criteria: Invitae Variant Classification Sherloc (09022015). Collection method: clinical testing. Allele origin: germline.

NM_006445.4(PRPF8):c.6165C>T (p.Ile2055=)

Gene: PRPF8 (pre-mRNA processing factor 8; minus strand). Cytogenetic location: 17p13.3.
Variant type: single nucleotide variant.
Coding change: c.6165C>T on transcript NM_006445.4 (MANE Select); coding-DNA position 6165, C replaced by T.
Protein change: p.Ile2055=; no amino-acid change (isoleucine 2055 retained).
Molecular consequence: synonymous variant.
Genome position (GRCh38, 1-based): chr17:1,653,839, G>A on the plus strand (C>T on the coding strand, the complement: PRPF8 is on the minus strand). VCF-style: chr17-1653839-G-A. GRCh37 (hg19) VCF-style: chr17-1557133-G-A.
Other names: c.6165C>T (NM_006445.3).
Identifiers: ClinVar variation 1439208 (VCV001439208.9), dbSNP rs541977582, ClinGen allele CA8271250.